The following is an entry in ClinVar:

ClinVar aggregate classification (germline): Pathogenic (1 of 4 stars; one submission).

Submission:

Labcorp Genetics (formerly Invitae), Labcorp
Classification: Pathogenic. Last evaluated: 2023-02-01. Review status: criteria provided, single submitter. Criteria: Invitae Variant Classification Sherloc (09022015). Collection method: clinical testing. Allele origin: germline.
Comment: This variant is not present in population databases (gnomAD no frequency). This sequence change creates a premature translational stop signal (p.Trp988*) in the SLC12A1 gene. It is expected to result in an absent or disrupted protein product. Loss-of-function variants in SLC12A1 are known to be pathogenic (PMID: 8640224, 9585600, 19096086). This variant has not been reported in the literature in individuals affected with SLC12A1-related conditions. Algorithms developed to predict the effect of sequence changes on RNA splicing suggest that this variant may create or strengthen a splice site. For these reasons, this variant has been classified as Pathogenic.

Literature cited by the submitters: PubMed 8640224; PubMed 9585600; PubMed 19096086.

NM_000338.3(SLC12A1):c.2963G>A (p.Trp988Ter)

Gene: SLC12A1 (solute carrier family 12 member 1; plus strand). Cytogenetic location: 15q21.1.
Variant type: single nucleotide variant.
Coding change: c.2963G>A on transcript NM_000338.3 (MANE Select); coding-DNA position 2963, G replaced by A.
Protein change: p.Trp988Ter; replaces tryptophan 988 with a stop codon.
Molecular consequence: nonsense.
Genome position (GRCh38, 1-based): chr15:48,299,142, G>A. VCF-style: chr15-48299142-G-A. GRCh37 (hg19) VCF-style: chr15-48591339-G-A.
Other names: c.2963G>A, p.Trp988Ter (NM_001184832.2, NM_001384136.1); short protein forms W988*.
Identifiers: ClinVar variation 2824459 (VCV002824459.3), dbSNP rs2505218930, ClinGen allele CA392320745.